The following is an entry in ClinVar:

NM_001005498.4(RHBDF2):c.1114C>T (p.Arg372Trp)

Gene: RHBDF2 (rhomboid 5 homolog 2; minus strand). Cytogenetic location: 17q25.1.
Variant type: single nucleotide variant.
Coding change: c.1114C>T on transcript NM_001005498.4 (MANE Select); coding-DNA position 1114, C replaced by T.
Protein change: p.Arg372Trp; replaces arginine 372 with tryptophan.
Molecular consequence: missense variant. On other transcripts: non-coding transcript variant (3).
Genome position (GRCh38, 1-based): chr17:76,476,831, G>A on the plus strand (C>T on the coding strand, the complement: RHBDF2 is on the minus strand). VCF-style: chr17-76476831-G-A. GRCh37 (hg19) VCF-style: chr17-74472913-G-A.
Other names: c.1114C>T, p.Arg372Trp (NM_001376228.1, NM_001376229.1, NM_001376230.1); c.1201C>T, p.Arg401Trp (NM_024599.5); short protein forms R372W, R401W.
Identifiers: ClinVar variation 3620740 (VCV003620740.2).

ClinVar aggregate classification (germline): Uncertain significance (1 of 4 stars; one submission).

gnomAD v4.1: 8 of 1,598,544 alleles (0.0005%); highest among the groups gnomAD compares: East Asian, 0.0022%; no homozygotes.

Submission:

Labcorp Genetics (formerly Invitae), Labcorp
Classification: Uncertain significance. Last evaluated: 2024-11-17. Review status: criteria provided, single submitter. Criteria: Invitae Variant Classification Sherloc (09022015). Collection method: clinical testing. Allele origin: germline.
Comment: This sequence change replaces arginine, which is basic and polar, with tryptophan, which is neutral and slightly polar, at codon 401 of the RHBDF2 protein (p.Arg401Trp). This variant is present in population databases (no rsID available, gnomAD 0.003%). This variant has not been reported in the literature in individuals affected with RHBDF2-related conditions. An algorithm developed to predict the effect of missense changes on protein structure and function (PolyPhen-2) suggests that this variant is likely to be disruptive. In summary, the available evidence is currently insufficient to determine the role of this variant in disease. Therefore, it has been classified as a Variant of Uncertain Significance.